The following is an entry in ClinVar:

ClinVar aggregate classification (germline): Likely benign (1 of 4 stars; one submission).

Allele frequency attached by ClinVar (database versions not stated): 1000 Genomes Project 30x 0.00016; 1000 Genomes Project 0.00020; gnomAD exomes 0.00037; gnomAD 0.00041; TOPMed 0.00046.
gnomAD v4.1: 155 of 398,610 alleles (0.039%); highest among the groups gnomAD compares: South Asian, 0.11%; 2 homozygotes.

Submission:

CeGaT Center for Human Genetics Tuebingen
Classification: Likely benign. Last evaluated: 2026-09-01. Review status: criteria provided, single submitter. Criteria: CeGaT Center For Human Genetics Tuebingen Variant Classification Criteria Version 2. Collection method: clinical testing. Allele origin: germline. Affected: yes. Observed: 8 variant alleles.
Comment: KCNQ1OT1: BS2

NM_000218.3(KCNQ1):c.1394-1021C>T

Genes: KCNQ1 (potassium voltage-gated channel subfamily Q member 1; plus strand), KCNQ1OT1 (KCNQ1 opposite strand/antisense transcript 1; minus strand). Cytogenetic location: 11p15.5.
Variant type: single nucleotide variant.
Coding change: c.1394-1021C>T on transcript NM_000218.3 (MANE Select); 1021 bases into the intron before coding-DNA position 1394, C replaced by T.
Molecular consequence: intron variant. On other transcripts: non-coding transcript variant (1).
Genome position (GRCh38, 1-based): chr11:2,660,940, C>T. VCF-style: chr11-2660940-C-T. GRCh37 (hg19) VCF-style: chr11-2682170-C-T.
Other names: c.1124-1021C>T (NM_001406837.1); c.1298-1021C>T (NM_001406836.1); c.854-1021C>T (NM_001406838.1); c.1013-1021C>T (NM_181798.2).
Identifiers: ClinVar variation 2641446 (VCV002641446.24), dbSNP rs566545839, ClinGen allele CA216169810.